The following is an entry in ClinVar:

NM_003482.4(KMT2D):c.12610G>A (p.Val4204Ile)

Gene: KMT2D (lysine methyltransferase 2D; minus strand). Cytogenetic location: 12q13.12.
Variant type: single nucleotide variant.
Coding change: c.12610G>A on transcript NM_003482.4 (MANE Select); coding-DNA position 12610, G replaced by A.
Protein change: p.Val4204Ile; replaces valine 4204 with isoleucine.
Molecular consequence: missense variant.
Genome position (GRCh38, 1-based): chr12:49,032,095, C>T on the plus strand (G>A on the coding strand, the complement: KMT2D is on the minus strand). VCF-style: chr12-49032095-C-T. GRCh37 (hg19) VCF-style: chr12-49425878-C-T.
Other names: short protein forms V4204I.
Identifiers: ClinVar variation 1337315 (VCV001337315.14), dbSNP rs202126693, ClinGen allele CA6546175.

ClinVar aggregate classification (germline): Benign/Likely benign. Review status: criteria provided, multiple submitters, no conflicts (2 of 4 stars). 5 submissions from 5 submitters: Benign (2); Likely benign (2). 1 of the submissions does not count toward it. Last evaluated 2025-06-08.

Conditions:
KMT2D-related disorder. Also called: KMT2D-Related Disorders.
Dystonia, early-onset, and/or spastic paraplegia. Identifiers: MedGen C5562051, MONDO:0859215, OMIM 619681.
Kabuki syndrome. Also called: Kabuki make-up syndrome; NIIKAWA-KUROKI SYNDROME. Identifiers: Orphanet 2322, MedGen C0796004, MONDO:0016512.

Allele frequency attached by ClinVar (database versions not stated): gnomAD 0.00001 and 0.00002; gnomAD exomes 0.00002 and 0.00003; TOPMed 0.00002; ExAC 0.00004.
gnomAD v4.1: 35 of 1,613,782 alleles (0.0022%); highest among the groups gnomAD compares: Middle Eastern, 0.033%; no homozygotes.

Submissions (5):

Labcorp Genetics (formerly Invitae), Labcorp
Classification: Benign for Kabuki syndrome. Last evaluated: 2025-06-08. Review status: criteria provided, single submitter. Criteria: Invitae Variant Classification Sherloc (09022015). Collection method: clinical testing. Allele origin: germline.

Blueprint Genetics
Classification: Likely benign. Last evaluated: 2024-11-20. Review status: criteria provided, single submitter. Criteria: ACMG Guidelines, 2015. Collection method: clinical testing. Allele origin: germline.

Genetic Services Laboratory, University of Chicago
Classification: Likely benign. Last evaluated: 2019-09-05. Review status: criteria provided, single submitter. Criteria: ACMG Guidelines, 2015. Collection method: clinical testing. Allele origin: germline. Affected: no.

Cambridge Genomics Laboratory, East Genomic Laboratory Hub, NHS Genomic Medicine Service
Classification: Benign for Dystonia, early-onset, and/or spastic paraplegia. Last evaluated: 2019-04-29. Review status: criteria provided, single submitter. Criteria: ACGS Best Practice Guidelines for Variant Classification in Rare Disease 2020. Collection method: clinical testing. Allele origin: germline. Affected: yes. Observed: 1 variant allele.

PreventionGenetics, part of Exact Sciences
Classification: Likely benign for KMT2D-related condition. Last evaluated: 2023-10-18. Review status: no assertion criteria provided. Collection method: clinical testing. Allele origin: germline. Not counted in ClinVar's aggregate classification.
Comment: This variant is classified as likely benign based on ACMG/AMP sequence variant interpretation guidelines (Richards et al. 2015 PMID: 25741868, with internal and published modifications).